The following is an entry in ClinVar:

NM_006129.5(BMP1):c.799G>A (p.Asp267Asn)

Gene: BMP1 (bone morphogenetic protein 1; plus strand). Cytogenetic location: 8p21.3.
Variant type: single nucleotide variant.
Coding change: c.799G>A on transcript NM_006129.5 (MANE Select); coding-DNA position 799, G replaced by A.
Protein change: p.Asp267Asn; replaces aspartic acid 267 with asparagine.
Molecular consequence: missense variant. On other transcripts: non-coding transcript variant (2).
Genome position (GRCh38, 1-based): chr8:22,177,920, G>A. VCF-style: chr8-22177920-G-A. GRCh37 (hg19) VCF-style: chr8-22035433-G-A.
Other names: c.799G>A, p.Asp267Asn (NM_001199.4); c.799G>A (NM_006129.4); short protein forms D267N.
Identifiers: ClinVar variation 1351146 (VCV001351146.11), dbSNP rs764649614, ClinGen allele CA4664427.
Genomic context (GRCh38, chr8:22,177,920, plus strand): 5'-TATAACTTCCTGAAGATGGAGCCTCAGGAGGTGGAGTCCCTGGGGGAGACCTATGACTTC[G>A]ACAGCATCATGCATTACGCTCGGAACACATTCTCCAGGTGGGAGACGGGATTGGGGCTGG-3'
Protein context (NP_006120.1, residues 257-277): VESLGETYDF[Asp267Asn]SIMHYARNTF

ClinVar aggregate classification (germline): Uncertain significance. Review status: criteria provided, multiple submitters, no conflicts (2 of 4 stars). 5 submissions from 5 submitters: Uncertain significance (5). Last evaluated 2024-10-28.

Conditions:
Inborn genetic diseases. Identifiers: MedGen C0950123, MeSH D030342.
Osteogenesis imperfecta type 13. Also called: Osteogenesis imperfecta, type xiii; OI, TYPE XIII. Identifiers: Orphanet 666, MedGen C3553887, MONDO:0013924, OMIM 614856.

Allele frequency attached by ClinVar (database versions not stated): gnomAD 0.00001 and 0.00002; TOPMed 0.00001; ExAC 0.00002; gnomAD exomes 0.00002.

Submissions (5):

GeneDx
Classification: Uncertain significance. Last evaluated: 2024-10-28. Review status: criteria provided, single submitter. Criteria: GeneDx Variant Classification Process June 2021. Collection method: clinical testing. Allele origin: germline. Affected: yes.
Comment: In silico analysis supports that this missense variant has a deleterious effect on protein structure/function; Has not been previously published as pathogenic or benign to our knowledge

Labcorp Genetics (formerly Invitae), Labcorp
Classification: Uncertain significance. Last evaluated: 2024-07-17. Review status: criteria provided, single submitter. Criteria: Invitae Variant Classification Sherloc (09022015). Collection method: clinical testing. Allele origin: germline.
Comment: This sequence change replaces aspartic acid, which is acidic and polar, with asparagine, which is neutral and polar, at codon 267 of the BMP1 protein (p.Asp267Asn). This variant is present in population databases (rs764649614, gnomAD 0.01%). This variant has not been reported in the literature in individuals affected with BMP1-related conditions. ClinVar contains an entry for this variant (Variation ID: 1351146). Advanced modeling of protein sequence and biophysical properties (such as structural, functional, and spatial information, amino acid conservation, physicochemical variation, residue mobility, and thermodynamic stability) performed at Invitae indicates that this missense variant is not expected to disrupt BMP1 protein function with a negative predictive value of 80%. In summary, the available evidence is currently insufficient to determine the role of this variant in disease. Therefore, it has been classified as a Variant of Uncertain Significance.

Revvity Omics, Revvity
Classification: Uncertain significance for Osteogenesis imperfecta type 13. Last evaluated: 2023-10-31. Review status: criteria provided, single submitter. Criteria: ACMG Guidelines, 2015. Collection method: clinical testing. Allele origin: germline.

Blueprint Genetics
Classification: Uncertain significance. Last evaluated: 2023-05-30. Review status: criteria provided, single submitter. Criteria: ACMG Guidelines, 2015. Collection method: clinical testing. Allele origin: germline.

Ambry Genetics
Classification: Uncertain significance for Inborn genetic diseases. Last evaluated: 2021-10-22. Review status: criteria provided, single submitter. Criteria: Ambry Variant Classification Scheme 2023. Collection method: clinical testing. Allele origin: germline.